The following is an entry in ClinVar:

NM_020338.4(ZMIZ1):c.428A>G (p.Asp143Gly)

Gene: ZMIZ1 (zinc finger MIZ-type containing 1; plus strand). Cytogenetic location: 10q22.3.
Variant type: single nucleotide variant.
Coding change: c.428A>G on transcript NM_020338.4 (MANE Select); coding-DNA position 428, A replaced by G.
Protein change: p.Asp143Gly; replaces aspartic acid 143 with glycine.
Molecular consequence: missense variant.
Genome position (GRCh38, 1-based): chr10:79,289,777, A>G. VCF-style: chr10-79289777-A-G. GRCh37 (hg19) VCF-style: chr10-81049534-A-G.
Other names: short protein forms D143G.
Identifiers: ClinVar variation 4765935 (VCV004765935.1).

ClinVar aggregate classification (germline): Uncertain significance (1 of 4 stars; one submission).

Submission:

Labcorp Genetics (formerly Invitae), Labcorp
Classification: Uncertain significance. Last evaluated: 2025-11-19. Review status: criteria provided, single submitter. Criteria: Invitae Variant Classification Sherloc (09022015). Collection method: clinical testing. Allele origin: germline.
Comment: This sequence change replaces aspartic acid, which is acidic and polar, with glycine, which is neutral and non-polar, at codon 143 of the ZMIZ1 protein (p.Asp143Gly). This variant is not present in population databases (gnomAD no frequency). This variant has not been reported in the literature in individuals affected with ZMIZ1-related conditions. Invitae Evidence Modeling of protein sequence and biophysical properties (such as structural, functional, and spatial information, amino acid conservation, physicochemical variation, residue mobility, and thermodynamic stability) has been performed for this missense variant. However, the output from this modeling did not meet the statistical confidence thresholds required to predict the impact of this variant on ZMIZ1 protein function. In summary, the available evidence is currently insufficient to determine the role of this variant in disease. Therefore, it has been classified as a Variant of Uncertain Significance.